The following is an entry in ClinVar:

ClinVar aggregate classification (germline): Uncertain significance. Review status: criteria provided, multiple submitters, no conflicts (2 of 4 stars). 2 submissions from 2 submitters: Uncertain significance (2). Last evaluated 2024-04-16.

Conditions:
Familial thoracic aortic aneurysm and aortic dissection (TAAD). Also called: Thoracic aortic aneurysms and dissections. Identifiers: Orphanet 91387, MedGen C4707243, MONDO:0019625.
Marfan syndrome (MFS). Also called: FBN1-Related Marfan Syndrome; MARFAN SYNDROME, TYPE I; Marfan syndrome type 1; Marfan's syndrome; Marfan syndrome, classic. Identifiers: Orphanet 284963, Orphanet 558, MedGen C0024796, MONDO:0007947, OMIM 154700.

Allele frequency attached by ClinVar (database versions not stated): gnomAD 0.00001; gnomAD exomes below 0.00001; ExAC 0.00001; TOPMed 0.00002.
gnomAD v4.1: 5 of 1,614,080 alleles (0.00031%); highest among the groups gnomAD compares: African/African-American, 0.0013%; no homozygotes.

Submissions (2):

All of Us Research Program, National Institutes of Health
Classification: Uncertain significance for Marfan syndrome. Last evaluated: 2024-04-16. Review status: criteria provided, single submitter. Criteria: ACMG Guidelines, 2015. Collection method: clinical testing. Allele origin: germline. Inheritance: Autosomal dominant inheritance. Observed: 1 variant allele, 1 heterozygote.
Comment: This missense variant replaces glycine with aspartic acid at codon 218 of the FBN1 protein. Computational prediction suggests that this variant may have deleterious impact on protein structure and function (internally defined REVEL score threshold >= 0.7, PMID: 27666373). To our knowledge, functional studies have not been reported for this variant. This variant has not been reported in individuals affected with cardiovascular disorders in the literature. This variant has been identified in 2/251392 chromosomes in the general population by the Genome Aggregation Database (gnomAD). The available evidence is insufficient to determine the role of this variant in disease conclusively. Therefore, this variant is classified as a Variant of Uncertain Significance.

This study involves interpretation of variants in research participants for the purpose of population health screening. Participant phenotype was not available at the time of variant classification. Additional details can be found in publication PMID: 35346344, PMCID: PMC8962531

Color Diagnostics, LLC DBA Color Health
Classification: Uncertain significance for Familial thoracic aortic aneurysm and aortic dissection. Last evaluated: 2024-03-21. Review status: criteria provided, single submitter. Criteria: ACMG Guidelines, 2015. Collection method: clinical testing. Allele origin: germline.
Comment: This missense variant replaces glycine with aspartic acid at codon 218 of the FBN1 protein. Computational prediction tools indicate that this variant has a deleterious impact on protein structure and function. To our knowledge, functional studies have not been reported for this variant. This variant has not been reported in individuals affected with FBN1-related disorders in the literature. This variant has been identified in 2/251392 chromosomes in the general population by the Genome Aggregation Database (gnomAD). The available evidence is insufficient to determine the role of this variant in disease conclusively. Therefore, this variant is classified as a Variant of Uncertain Significance.

NM_000138.5(FBN1):c.653G>A (p.Gly218Asp)

Gene: FBN1 (fibrillin 1; minus strand). Cytogenetic location: 15q21.1.
Variant type: single nucleotide variant.
Coding change: c.653G>A on transcript NM_000138.5 (MANE Select); coding-DNA position 653, G replaced by A.
Protein change: p.Gly218Asp; replaces glycine 218 with aspartic acid.
Molecular consequence: missense variant.
Genome position (GRCh38, 1-based): chr15:48,537,694, C>T on the plus strand (G>A on the coding strand, the complement: FBN1 is on the minus strand). VCF-style: chr15-48537694-C-T. GRCh37 (hg19) VCF-style: chr15-48829891-C-T.
Other names: c.653G>A, p.Gly218Asp (NM_001406716.1, NM_001406717.1); short protein forms G218D.
Identifiers: ClinVar variation 2773399 (VCV002773399.3), dbSNP rs775219277, ClinGen allele CA056975.
Genomic context (GRCh38, chr15:48,537,694, plus strand): 5'-TTTGGAATGAAGCCACGGCGGCAGGGGTGAGGCTGGGCAGGACACATCTCACAGGGGTGG[C>T]CCCAGGCTCGGCCGACTGTGGCACAGCAGAGCGTTTTTGTGCAGACAATCCCGCTGAGTT-3'
Protein context (NP_000129.3, residues 208-228): LCCATVGRAW[Gly218Asp]HPCEMCPAQP